The following is an entry in ClinVar:

ClinVar aggregate classification (germline): Uncertain significance (1 of 4 stars; one submission).

Conditions:
Colorectal cancer, susceptibility to, 12 (CRCS12). Also called: COLORECTAL CANCER, SUSCEPTIBILITY TO, ON CHROMOSOME 12q24. Identifiers: Orphanet 220460, MedGen C3554460, MONDO:0014038, OMIM 615083.

Submission:

Labcorp Genetics (formerly Invitae), Labcorp
Classification: Uncertain significance for Colorectal cancer, susceptibility to, 12. Last evaluated: 2021-08-27. Review status: criteria provided, single submitter. Criteria: Invitae Variant Classification Sherloc (09022015). Collection method: clinical testing. Allele origin: germline.
Comment: This sequence change replaces aspartic acid with glycine at codon 1422 of the POLE protein (p.Asp1422Gly). The aspartic acid residue is moderately conserved and there is a moderate physicochemical difference between aspartic acid and glycine. This variant is not present in population databases (ExAC no frequency). This variant has not been reported in the literature in individuals affected with POLE-related conditions. Algorithms developed to predict the effect of missense changes on protein structure and function (SIFT, PolyPhen-2, Align-GVGD) all suggest that this variant is likely to be tolerated. In summary, the available evidence is currently insufficient to determine the role of this variant in disease. Therefore, it has been classified as a Variant of Uncertain Significance.

NM_006231.4(POLE):c.4265A>G (p.Asp1422Gly)

Gene: POLE (DNA polymerase epsilon, catalytic subunit; minus strand). Cytogenetic location: 12q24.33.
Variant type: single nucleotide variant.
Coding change: c.4265A>G on transcript NM_006231.4 (MANE Select); coding-DNA position 4265, A replaced by G.
Protein change: p.Asp1422Gly; replaces aspartic acid 1422 with glycine.
Molecular consequence: missense variant.
Genome position (GRCh38, 1-based): chr12:132,643,862, T>C on the plus strand (A>G on the coding strand, the complement: POLE is on the minus strand). VCF-style: chr12-132643862-T-C. GRCh37 (hg19) VCF-style: chr12-133220448-T-C.
Other names: short protein forms D1422G.
Identifiers: ClinVar variation 1052555 (VCV001052555.6), dbSNP rs2138558884, ClinGen allele CA387381872.